The following is an entry in ClinVar:

ClinVar aggregate classification (germline): Uncertain significance (1 of 4 stars; one submission).

Submission:

GeneDx
Classification: Uncertain significance. Last evaluated: 2024-06-21. Review status: criteria provided, single submitter. Criteria: GeneDx Variant Classification Process June 2021. Collection method: clinical testing. Allele origin: germline. Affected: yes.
Comment: Not observed at significant frequency in large population cohorts (gnomAD); In silico analysis supports that this missense variant has a deleterious effect on protein structure/function; Has not been previously published as pathogenic or benign to our knowledge

NM_000256.3(MYBPC3):c.2303T>A (p.Val768Asp)

Gene: MYBPC3 (myosin binding protein C3; minus strand). Cytogenetic location: 11p11.2.
Variant type: single nucleotide variant.
Coding change: c.2303T>A on transcript NM_000256.3 (MANE Select); coding-DNA position 2303, T replaced by A.
Protein change: p.Val768Asp; replaces valine 768 with aspartic acid.
Molecular consequence: missense variant.
Genome position (GRCh38, 1-based): chr11:47,338,525, A>T on the plus strand (T>A on the coding strand, the complement: MYBPC3 is on the minus strand). VCF-style: chr11-47338525-A-T. GRCh37 (hg19) VCF-style: chr11-47360076-A-T.
Other names: short protein forms V768D.
Identifiers: ClinVar variation 3391781 (VCV003391781.1).
Genomic context (GRCh38, chr11:47,338,525, plus strand): 5'-CCCTCCTTGGGGCTGCCCCTCTGTGTTCTCCAGCTTGGACCCCGGCCGGCCTCACCGATG[A>T]CCTTGACTGTGAGGTTGACCTGGTCCTCGCCCACAGGGTTCTTCACTGTGACCGTGTAGA-3'
Protein context (NP_000247.2, residues 758-778): GEDQVNLTVK[Val768Asp]IDVPDAPAAP